The following is an entry in ClinVar:

NM_000263.4(NAGLU):c.80_82dup (p.Arg27_Glu28insGly)

Genes: NAGLU (N-acetyl-alpha-glucosaminidase; plus strand), LOC130060903 (ATAC-STARR-seq lymphoblastoid silent region 8533; plus strand). Cytogenetic location: 17q21.2.
Variant type: Duplication.
Coding change: c.80_82dup on transcript NM_000263.4 (MANE Select); coding-DNA positions 80 to 82, 3 bases duplicated (GGG; older notation c.80_82dupGGG).
Protein change: p.Arg27_Glu28insGly.
Molecular consequence: inframe insertion.
Genome position (GRCh38, 1-based): chr17:42,536,352-42,536,354, GGG duplicated. VCF-style (leftmost placement, unchanged base first): chr17-42536351-C-CGGG. GRCh37 (hg19) VCF-style: chr17-40688369-C-CGGG.
Identifiers: ClinVar variation 2024744 (VCV002024744.4), dbSNP rs1430122594, ClinGen allele CA2580093741.

ClinVar aggregate classification (germline): Uncertain significance (1 of 4 stars; one submission).

Conditions:
Mucopolysaccharidosis, MPS-III-B (MPS3B). Also called: N-ACETYL-ALPHA-D-GLUCOSAMINIDASE DEFICIENCY; NAGLU DEFICIENCY; SANFILIPPO SYNDROME B; MPS III B; Mucopolysaccharidosis type IIIB (Sanfilippo B); MPS IIIB (Sanfilippo Syndrome Type B). Identifiers: Orphanet 79270, MedGen C0086648, MONDO:0009656, OMIM 252920.
Charcot-Marie-Tooth disease axonal type 2V. Also called: CHARCOT-MARIE-TOOTH NEUROPATHY, TYPE 2V; CHARCOT-MARIE-TOOTH DISEASE, AXONAL, AUTOSOMAL DOMINANT, TYPE 2V. Identifiers: Orphanet 447964, MedGen C5569050, MONDO:0014665, OMIM 616491.

Submission:

Labcorp Genetics (formerly Invitae), Labcorp
Classification: Uncertain significance for Charcot-Marie-Tooth disease axonal type 2V; Mucopolysaccharidosis, MPS-III-B. Last evaluated: 2022-08-21. Review status: criteria provided, single submitter. Criteria: Invitae Variant Classification Sherloc (09022015). Collection method: clinical testing. Allele origin: germline.
Comment: This variant, c.80_82dup, results in the insertion of 1 amino acid(s) of the NAGLU protein (p.Arg27_Glu28insGly), but otherwise preserves the integrity of the reading frame. This variant is not present in population databases (gnomAD no frequency). This variant has not been reported in the literature in individuals affected with NAGLU-related conditions. In summary, the available evidence is currently insufficient to determine the role of this variant in disease. Therefore, it has been classified as a Variant of Uncertain Significance.